The following is an entry in ClinVar:

ClinVar aggregate classification (germline): Likely benign. Review status: criteria provided, multiple submitters, no conflicts (2 of 4 stars). 2 submissions from 2 submitters: Likely benign (2). Last evaluated 2018-06-16.

Allele frequency attached by ClinVar (database versions not stated): 1000 Genomes Project 0.00759; 1000 Genomes Project 30x 0.00843; TOPMed 0.01008; gnomAD 0.01026 and 0.01041.
gnomAD v4.1: 18,692 of 1,438,256 alleles (1.3%); highest among the groups gnomAD compares: Non-Finnish European, 1.5%; 156 homozygotes.

Submissions (2):

GeneDx
Classification: Likely benign. Last evaluated: 2018-06-16. Review status: criteria provided, single submitter. Criteria: GeneDx Variant Classification (06012015). Collection method: clinical testing. Allele origin: germline. Affected: yes.
Comment: This variant is considered likely benign or benign based on one or more of the following criteria: it is a conservative change, it occurs at a poorly conserved position in the protein, it is predicted to be benign by multiple in silico algorithms, and/or has population frequency not consistent with disease.

Breakthrough Genomics
Classification: Likely benign. Review status: criteria provided, single submitter. Criteria: ACMG Guidelines, 2015. Collection method: not provided. Allele origin: germline. Inheritance: Autosomal dominant inheritance. Affected: yes.

NM_004863.4(SPTLC2):c.1176+98C>T

Gene: SPTLC2 (serine palmitoyltransferase long chain base subunit 2; minus strand). Cytogenetic location: 14q24.3.
Variant type: single nucleotide variant.
Coding change: c.1176+98C>T on transcript NM_004863.4 (MANE Select); 98 bases into the intron after coding-DNA position 1176, C replaced by T.
Molecular consequence: intron variant.
Genome position (GRCh38, 1-based): chr14:77,555,202, G>A on the plus strand (C>T on the coding strand, the complement: SPTLC2 is on the minus strand). VCF-style: chr14-77555202-G-A. GRCh37 (hg19) VCF-style: chr14-78021545-G-A.
Identifiers: ClinVar variation 677319 (VCV000677319.2), dbSNP rs117989420, ClinGen allele CA263846440.
Genomic context (GRCh38, chr14:77,555,202, plus strand): 5'-AGTGAGGAGACATTAGAGTCACTCACTGGTATTATGAGCCTAAACCAGAGGCAAATTTGC[G>A]GACATCCCAGTTCAGGGCCCCATCTGCTAGGCCTGAGGTACCAAATCTAATTGCCAGTGA-3'